The following is an entry in ClinVar:

ClinVar aggregate classification (germline): Uncertain significance (1 of 4 stars; one submission).

Submission:

Ambry Genetics
Classification: Uncertain significance. Last evaluated: 2024-06-20. Review status: criteria provided, single submitter. Criteria: Ambry Variant Classification Scheme 2023. Collection method: clinical testing. Allele origin: germline.
Comment: The p.Y1066S variant (also known as c.3197A>C), located in coding exon 18 of the PALLD gene, results from an A to C substitution at nucleotide position 3197. The tyrosine at codon 1066 is replaced by serine, an amino acid with dissimilar properties. This amino acid position is conserved. In addition, this alteration is predicted to be deleterious by in silico analysis. Based on the available evidence, the clinical significance of this variant remains unclear.

NM_001166108.2(PALLD):c.3248A>C (p.Tyr1083Ser)

Genes: CBR4 (carbonyl reductase 4; minus strand), PALLD (palladin, cytoskeletal associated protein; plus strand). Cytogenetic location: 4q32.3.
Variant type: single nucleotide variant.
Coding change: c.3248A>C on transcript NM_001166108.2 (MANE Select); coding-DNA position 3248, A replaced by C.
Protein change: p.Tyr1083Ser; replaces tyrosine 1083 with serine.
Molecular consequence: missense variant.
Genome position (GRCh38, 1-based): chr4:168,924,968, A>C. VCF-style: chr4-168924968-A-C. GRCh37 (hg19) VCF-style: chr4-169846119-A-C.
Other names: c.2051A>C, p.Tyr684Ser (NM_001166109.2); c.1736A>C, p.Tyr579Ser (NM_001166110.2); c.1076A>C, p.Tyr359Ser (NM_001367567.1, NM_001367569.1); c.1127A>C, p.Tyr376Ser (NM_001367568.1, NM_001367570.1); c.3197A>C, p.Tyr1066Ser (NM_016081.4); short protein forms Y359S, Y376S, Y684S, Y1066S, Y579S, Y1083S.
Identifiers: ClinVar variation 3304020 (VCV003304020.1).